The following is an entry in ClinVar:

NM_001035.3(RYR2):c.13789T>C (p.Leu4597=)

Gene: RYR2 (ryanodine receptor 2; plus strand). Cytogenetic location: 1q43.
Variant type: single nucleotide variant.
Coding change: c.13789T>C on transcript NM_001035.3 (MANE Select); coding-DNA position 13789, T replaced by C.
Protein change: p.Leu4597=; no amino-acid change (leucine 4597 retained).
Molecular consequence: synonymous variant.
Genome position (GRCh38, 1-based): chr1:237,793,873, T>C. VCF-style: chr1-237793873-T-C. GRCh37 (hg19) VCF-style: chr1-237957173-T-C.
Other names: c.13789T>C, p.Leu4597= (LRG_402t1).
Identifiers: ClinVar variation 532428 (VCV000532428.13), dbSNP rs1253011897, ClinGen allele CA423827513.

ClinVar aggregate classification (germline): Likely benign. Review status: criteria provided, multiple submitters, no conflicts (2 of 4 stars). 3 submissions from 3 submitters: Likely benign (3). Last evaluated 2024-08-28.

Conditions:
Catecholaminergic polymorphic ventricular tachycardia (CVPT). Also called: Catecholamine-induced polymorphic ventricular tachycardia. Identifiers: Orphanet 3286, MedGen C5574922, MONDO:0017990.
Cardiomyopathy (CMYO). Also called: Cardiomyopathies. Identifiers: Orphanet 167848, MedGen C0878544, MONDO:0004994, HP:0001638. Inheritance: Various modes of inheritance.
Catecholaminergic polymorphic ventricular tachycardia 1. Also called: VENTRICULAR TACHYCARDIA, CATECHOLAMINERGIC POLYMORPHIC, 1, WITH OR WITHOUT ATRIAL DYSFUNCTION AND/OR DILATED CARDIOMYOPATHY; RYR2-Related Catecholaminergic Polymorphic Ventricular Tachycardia; VENTRICULAR TACHYCARDIA, STRESS-INDUCED POLYMORPHIC 1. Identifiers: Orphanet 3286, MedGen C1631597, MONDO:0011484, OMIM 604772.

Allele frequency attached by ClinVar (database versions not stated): gnomAD exomes 0.00001.
gnomAD v4.1: 11 of 1,605,166 alleles (0.00069%); highest among the groups gnomAD compares: South Asian, 0.0033%; no homozygotes.

Submissions (3):

Labcorp Genetics (formerly Invitae), Labcorp
Classification: Likely benign for Catecholaminergic polymorphic ventricular tachycardia 1. Last evaluated: 2024-08-28. Review status: criteria provided, single submitter. Criteria: Invitae Variant Classification Sherloc (09022015). Collection method: clinical testing. Allele origin: germline.

All of Us Research Program, National Institutes of Health
Classification: Likely benign for Catecholaminergic polymorphic ventricular tachycardia. Last evaluated: 2023-04-15. Review status: criteria provided, single submitter. Criteria: ACMG Guidelines, 2015. Collection method: clinical testing. Allele origin: germline. Inheritance: Autosomal dominant inheritance. Observed: 1 variant allele, 1 heterozygote.
Comment: This study involves interpretation of variants in research participants for the purpose of population health screening. Participant phenotype was not available at the time of variant classification. Additional details can be found in publication PMID: 35346344, PMCID: PMC8962531

Color Diagnostics, LLC DBA Color Health
Classification: Likely benign for Cardiomyopathy. Last evaluated: 2018-06-04. Review status: criteria provided, single submitter. Criteria: ACMG Guidelines, 2015. Collection method: clinical testing. Allele origin: germline.